The following is an entry in ClinVar:

ClinVar aggregate classification (germline): Uncertain significance. Review status: criteria provided, multiple submitters, no conflicts (2 of 4 stars). 2 submissions from 2 submitters: Uncertain significance (2). Last evaluated 2026-02-01.

Allele frequency attached by ClinVar (database versions not stated): gnomAD exomes 0.00001; TOPMed 0.00002; gnomAD 0.00001.
gnomAD v4.1: 20 of 1,614,120 alleles (0.0012%); highest among the groups gnomAD compares: Non-Finnish European, 0.0017%; no homozygotes.

Submissions (2):

Labcorp Genetics (formerly Invitae), Labcorp
Classification: Uncertain significance. Last evaluated: 2026-02-01. Review status: criteria provided, single submitter. Criteria: Invitae Variant Classification Sherloc (09022015). Collection method: clinical testing. Allele origin: germline.
Comment: This sequence change replaces cysteine, which is neutral and slightly polar, with arginine, which is basic and polar, at codon 39 of the COL4A1 protein (p.Cys39Arg). This variant is not present in population databases (gnomAD no frequency). This variant has not been reported in the literature in individuals affected with COL4A1-related conditions. ClinVar contains an entry for this variant (Variation ID: 1699893). Invitae Evidence Modeling of protein sequence and biophysical properties (such as structural, functional, and spatial information, amino acid conservation, physicochemical variation, residue mobility, and thermodynamic stability) indicates that this missense variant is expected to disrupt COL4A1 protein function with a positive predictive value of 95%. In summary, the available evidence is currently insufficient to determine the role of this variant in disease. Therefore, it has been classified as a Variant of Uncertain Significance.

GeneDx
Classification: Uncertain significance. Last evaluated: 2022-01-26. Review status: criteria provided, single submitter. Criteria: GeneDx Variant Classification Process June 2021. Collection method: clinical testing. Allele origin: germline. Affected: yes.
Comment: Has not been previously published as pathogenic or benign to our knowledge; Not observed at significant frequency in large population cohorts (gnomAD); In silico analysis supports that this missense variant has a deleterious effect on protein structure/function

NM_001845.6(COL4A1):c.115T>C (p.Cys39Arg)

Gene: COL4A1 (collagen type IV alpha 1 chain; minus strand). Cytogenetic location: 13q34.
Variant type: single nucleotide variant.
Coding change: c.115T>C on transcript NM_001845.6 (MANE Select); coding-DNA position 115, T replaced by C.
Protein change: p.Cys39Arg; replaces cysteine 39 with arginine.
Molecular consequence: missense variant.
Genome position (GRCh38, 1-based): chr13:110,242,704, A>G on the plus strand (T>C on the coding strand, the complement: COL4A1 is on the minus strand). VCF-style: chr13-110242704-A-G. GRCh37 (hg19) VCF-style: chr13-110895051-A-G.
Other names: c.115T>C, p.Cys39Arg (NM_001303110.2); short protein forms C39R.
Identifiers: ClinVar variation 1699893 (VCV001699893.5), dbSNP rs1476577463, ClinGen allele CA388731490.